The following is an entry in ClinVar:

NM_005334.3(HCFC1):c.3220G>A (p.Val1074Ile)

Gene: HCFC1 (host cell factor C1; minus strand). Cytogenetic location: Xq28.
Variant type: single nucleotide variant.
Coding change: c.3220G>A on transcript NM_005334.3 (MANE Select); coding-DNA position 3220, G replaced by A.
Protein change: p.Val1074Ile; replaces valine 1074 with isoleucine.
Molecular consequence: missense variant.
Genome position (GRCh38, 1-based): chrX:153,955,179, C>T on the plus strand (G>A on the coding strand, the complement: HCFC1 is on the minus strand). VCF-style: chrX-153955179-C-T. GRCh37 (hg19) VCF-style: chrX-153220630-C-T.
Other names: c.3220G>A, p.Val1074Ile (NM_001410705.1); short protein forms V1074I.
Identifiers: ClinVar variation 3369339 (VCV003369339.1).

ClinVar aggregate classification (germline): Uncertain significance (1 of 4 stars; one submission).

Submission:

GeneDx
Classification: Uncertain significance. Last evaluated: 2024-02-18. Review status: criteria provided, single submitter. Criteria: GeneDx Variant Classification Process June 2021. Collection method: clinical testing. Allele origin: germline. Affected: yes.
Comment: Not observed at significant frequency in large population cohorts (gnomAD); In silico analysis supports that this missense variant does not alter protein structure/function; Has not been previously published as pathogenic or benign to our knowledge